The following is an entry in ClinVar:

NM_173354.5(SIK1):c.951G>T (p.Val317=)

Gene: SIK1 (salt inducible kinase 1; minus strand). Cytogenetic location: 21q22.3.
Variant type: single nucleotide variant.
Coding change: c.951G>T on transcript NM_173354.5 (MANE Select); coding-DNA position 951, G replaced by T.
Protein change: p.Val317=; no amino-acid change (valine 317 retained).
Molecular consequence: synonymous variant.
Genome position (GRCh38, 1-based): chr21:43,420,255, C>A on the plus strand (G>T on the coding strand, the complement: SIK1 is on the minus strand). VCF-style: chr21-43420255-C-A. GRCh37 (hg19) VCF-style: chr21-44840135-C-A.
Identifiers: ClinVar variation 476112 (VCV000476112.41), dbSNP rs113514102, ClinGen allele CA321326716.

ClinVar aggregate classification (germline): Benign/Likely benign. Review status: criteria provided, multiple submitters, no conflicts (2 of 4 stars). 5 submissions from 5 submitters: Benign (2); Likely benign (3). Last evaluated 2026-08-01.

Conditions:
Inborn genetic diseases. Identifiers: MedGen C0950123, MeSH D030342.
Developmental and epileptic encephalopathy, 30 (DEE30). Also called: Epileptic encephalopathy, early infantile, 30. Identifiers: MedGen C4225360, MONDO:0014595, OMIM 616341.

Allele frequency attached by ClinVar (database versions not stated): gnomAD exomes 0.00024; ExAC 0.00036; 1000 Genomes Project 0.00100; gnomAD 0.00102; ESP Exome Variant Server 0.00161.

Submissions (5):

CeGaT Center for Human Genetics Tuebingen
Classification: Likely benign. Last evaluated: 2026-08-01. Review status: criteria provided, single submitter. Criteria: CeGaT Center For Human Genetics Tuebingen Variant Classification Criteria Version 2. Collection method: clinical testing. Allele origin: germline. Affected: yes. Observed: 3 variant alleles.
Comment: SIK1: BP4, BP7

Labcorp Genetics (formerly Invitae), Labcorp
Classification: Benign for Developmental and epileptic encephalopathy, 30. Last evaluated: 2026-01-28. Review status: criteria provided, single submitter. Criteria: Invitae Variant Classification Sherloc (09022015). Collection method: clinical testing. Allele origin: germline.

Blueprint Genetics
Classification: Likely benign. Last evaluated: 2024-08-06. Review status: criteria provided, single submitter. Criteria: ACMG Guidelines, 2015. Collection method: clinical testing. Allele origin: germline.

Athena Diagnostics
Classification: Benign. Last evaluated: 2017-09-07. Review status: criteria provided, single submitter. Criteria: Athena Diagnostics Criteria. Collection method: clinical testing. Allele origin: germline.

Ambry Genetics
Classification: Likely benign for Inborn genetic diseases. Last evaluated: 2017-03-29. Review status: criteria provided, single submitter. Criteria: Ambry Variant Classification Scheme 2023. Collection method: clinical testing. Allele origin: germline.